The following is an entry in ClinVar:

NM_003001.5(SDHC):c.383C>T (p.Thr128Ile)

Gene: SDHC (succinate dehydrogenase complex subunit C; plus strand). Cytogenetic location: 1q23.3.
Variant type: single nucleotide variant.
Coding change: c.383C>T on transcript NM_003001.5 (MANE Select); coding-DNA position 383, C replaced by T.
Protein change: p.Thr128Ile; replaces threonine 128 with isoleucine.
Molecular consequence: missense variant. On other transcripts: non-coding transcript variant (1), intron variant (3).
Genome position (GRCh38, 1-based): chr1:161,356,818, C>T. VCF-style: chr1-161356818-C-T. GRCh37 (hg19) VCF-style: chr1-161326608-C-T.
Other names: c.281C>T, p.Thr94Ile (NM_001035512.3); c.224C>T, p.Thr75Ile (NM_001035513.3); c.503C>T, p.Thr168Ile (NM_001407115.1); c.326C>T, p.Thr109Ile (NM_001407116.1); c.320C>T, p.Thr107Ile (NM_001407117.1); c.275C>T, p.Thr92Ile (NM_001407118.1); c.272C>T, p.Thr91Ile (NM_001407119.1, NM_001407120.1); c.242-5511C>T (NM_001035511.3); and 2 more; short protein forms T128I, T91I, T94I, T107I, T168I, T92I, T109I, T75I.
Identifiers: ClinVar variation 3316906 (VCV003316906.1).

ClinVar aggregate classification (germline): Uncertain significance (1 of 4 stars; one submission).

Conditions:
Hereditary cancer-predisposing syndrome. Also called: Neoplastic Syndromes, Hereditary; Tumor predisposition; Hereditary neoplastic syndrome; Hereditary Cancer Syndrome. Identifiers: Orphanet 140162, MedGen C0027672, MeSH D009386, MONDO:0015356.

gnomAD v4.1: 1 of 1,614,156 alleles (0.000062%); highest among the groups gnomAD compares: Non-Finnish European, 0.000085%; no homozygotes.

Submission:

Ambry Genetics
Classification: Uncertain significance for Hereditary cancer-predisposing syndrome. Last evaluated: 2024-03-27. Review status: criteria provided, single submitter. Criteria: Ambry Variant Classification Scheme 2023. Collection method: clinical testing. Allele origin: germline.
Comment: The p.T128I variant (also known as c.383C>T), located in coding exon 5 of the SDHC gene, results from a C to T substitution at nucleotide position 383. The threonine at codon 128 is replaced by isoleucine, an amino acid with similar properties. This amino acid position is conserved. In addition, the in silico prediction for this alteration is inconclusive. Based on the available evidence, the clinical significance of this alteration remains unclear.